The following is an entry in ClinVar:

NM_001142966.3(GREB1L):c.4513C>T (p.Pro1505Ser)

Gene: GREB1L (GREB1 like retinoic acid receptor coactivator; plus strand). Cytogenetic location: 18q11.2.
Variant type: single nucleotide variant.
Coding change: c.4513C>T on transcript NM_001142966.3 (MANE Select); coding-DNA position 4513, C replaced by T.
Protein change: p.Pro1505Ser; replaces proline 1505 with serine.
Molecular consequence: missense variant.
Genome position (GRCh38, 1-based): chr18:21,508,262, C>T. VCF-style: chr18-21508262-C-T. GRCh37 (hg19) VCF-style: chr18-19088223-C-T.
Other names: c.4642C>T, p.Pro1548Ser (NM_001410867.1); c.4186C>T, p.Pro1396Ser (NM_001410868.1); short protein forms P1396S, P1505S, P1548S.
Identifiers: ClinVar variation 3389922 (VCV003389922.14).

ClinVar aggregate classification (germline): Uncertain significance (1 of 4 stars; one submission).

gnomAD v4.1: 2 of 1,551,632 alleles (0.00013%); highest among the groups gnomAD compares: Non-Finnish European, 0.00017%; no homozygotes.

Submission:

CeGaT Center for Human Genetics Tuebingen
Classification: Uncertain significance. Last evaluated: 2024-10-01. Review status: criteria provided, single submitter. Criteria: CeGaT Center For Human Genetics Tuebingen Variant Classification Criteria Version 2. Collection method: clinical testing. Allele origin: germline. Affected: yes. Observed: 1 variant allele.
Comment: GREB1L: PP2